The following is an entry in ClinVar:

NM_017882.3(CLN6):c.543G>A (p.Trp181Ter)

Gene: CLN6 (CLN6 transmembrane ER protein; minus strand). Cytogenetic location: 15q23.
Variant type: single nucleotide variant.
Coding change: c.543G>A on transcript NM_017882.3 (MANE Select); coding-DNA position 543, G replaced by A.
Protein change: p.Trp181Ter; replaces tryptophan 181 with a stop codon.
Molecular consequence: nonsense.
Genome position (GRCh38, 1-based): chr15:68,209,759, C>T on the plus strand (G>A on the coding strand, the complement: CLN6 is on the minus strand). VCF-style: chr15-68209759-C-T. GRCh37 (hg19) VCF-style: chr15-68502097-C-T.
Other names: short protein forms W181*.
Identifiers: ClinVar variation 551500 (VCV000551500.7), dbSNP rs1555438443, ClinGen allele CA392973070.

ClinVar aggregate classification (germline): Pathogenic. Review status: criteria provided, single submitter (1 of 4 stars). 2 submissions from 2 submitters: Pathogenic (1). 1 of the submissions does not count toward it. Last evaluated 2025-06-15.

Conditions:
Ceroid lipofuscinosis, neuronal, 6A. Also called: Neuronal ceroid lipofuscinosis, Gypsy/Indian early juvenile variant; Neuronal ceroid lipofuscinosis 6; CLN6-Related Neuronal Ceroid-Lipofuscinosis; Neuronal ceroid lipofuscinosis, late infantile, variant. Identifiers: Orphanet 168491, Orphanet 228363, MedGen C5551375, MONDO:0011144, OMIM 601780.
Neuronal ceroid lipofuscinosis. Also called: Neuronal Ceroid Lipofuscinoses. Identifiers: Orphanet 216, Orphanet 79263, MedGen C0027877, MONDO:0016295. Disease mechanism: loss of function.

Allele frequency attached by ClinVar (database versions not stated): gnomAD exomes below 0.00001.
gnomAD v4.1: 1 of 1,613,186 alleles (0.000062%); highest among the groups gnomAD compares: Non-Finnish European, 0.000085%; no homozygotes.

Submissions (2):

Labcorp Genetics (formerly Invitae), Labcorp
Classification: Pathogenic for Neuronal ceroid lipofuscinosis. Last evaluated: 2025-06-15. Review status: criteria provided, single submitter. Criteria: Invitae Variant Classification Sherloc (09022015). Collection method: clinical testing. Allele origin: germline.
Comment: This sequence change creates a premature translational stop signal (p.Trp181*) in the CLN6 gene. It is expected to result in an absent or disrupted protein product. Loss-of-function variants in CLN6 are known to be pathogenic (PMID: 19135028). This variant is not present in population databases (gnomAD no frequency). This variant has not been reported in the literature in individuals affected with CLN6-related conditions. ClinVar contains an entry for this variant (Variation ID: 551500). For these reasons, this variant has been classified as Pathogenic.

Counsyl
Classification: Likely pathogenic for Ceroid lipofuscinosis, neuronal, 6A. Last evaluated: 2017-04-13. Review status: no assertion criteria provided. Collection method: clinical testing. Allele origin: unknown. Not counted in ClinVar's aggregate classification.

Literature cited by the submitters: PubMed 19135028 (cited by Labcorp Genetics (formerly Invitae), Labcorp).